The following is an entry in ClinVar:

ClinVar aggregate classification (germline): Uncertain significance. Review status: criteria provided, multiple submitters, no conflicts (2 of 4 stars). 7 submissions from 7 submitters: Uncertain significance (7). Last evaluated 2025-11-23.

Conditions:
Emery-Dreifuss muscular dystrophy 4, autosomal dominant (EDMD4). Also called: EMERY-DREIFUSS MUSCULAR DYSTROPHY 4 WITH VARIABLE FEATURES. Identifiers: Orphanet 261, MedGen C2751807, MONDO:0013071, OMIM 612998.
Autosomal recessive ataxia, Beauce type. Also called: SYNE1 Deficiency; Spinocerebellar ataxia, autosomal recessive 8; ATAXIA, RECESSIVE, OF BEAUCE; SYNE1-Related Autosomal Recessive Cerebellar Ataxia. Identifiers: Orphanet 88644, MedGen C1853116, MONDO:0012549, OMIM 610743.

Allele frequency attached by ClinVar (database versions not stated): ExAC 0.00016; gnomAD 0.00023 and 0.00024; gnomAD exomes 0.00026; 1000 Genomes Project 0.00040; TOPMed 0.00040; 1000 Genomes Project 30x 0.00047.
gnomAD v4.1: 170 of 1,614,160 alleles (0.011%); highest among the groups gnomAD compares: Admixed American, 0.14%; no homozygotes.

Submissions (7):

GeneDx
Classification: Uncertain significance. Last evaluated: 2025-11-23. Review status: criteria provided, single submitter. Criteria: GeneDx Variant Classification Process June 2021. Collection method: clinical testing. Allele origin: germline. Affected: yes.
Comment: In silico analysis supports that this missense variant has a deleterious effect on protein structure/function; Has not been previously published as pathogenic or benign to our knowledge

CeGaT Center for Human Genetics Tuebingen
Classification: Uncertain significance. Last evaluated: 2025-02-01. Review status: criteria provided, single submitter. Criteria: CeGaT Center For Human Genetics Tuebingen Variant Classification Criteria Version 2. Collection method: clinical testing. Allele origin: germline. Affected: yes. Observed: 2 variant alleles.
Comment: SYNE1: PM2:Supporting

Revvity Omics, Revvity
Classification: Uncertain significance. Last evaluated: 2024-07-30. Review status: criteria provided, single submitter. Criteria: ACMG Guidelines, 2015. Collection method: clinical testing. Allele origin: germline.

Labcorp Genetics (formerly Invitae), Labcorp
Classification: Uncertain significance for Emery-Dreifuss muscular dystrophy 4, autosomal dominant; Autosomal recessive ataxia, Beauce type. Last evaluated: 2022-09-07. Review status: criteria provided, single submitter. Criteria: Invitae Variant Classification Sherloc (09022015). Collection method: clinical testing. Allele origin: germline.
Comment: This sequence change replaces glycine, which is neutral and non-polar, with arginine, which is basic and polar, at codon 8634 of the SYNE1 protein (p.Gly8634Arg). This variant is present in population databases (rs201664645, gnomAD 0.1%). This variant has not been reported in the literature in individuals affected with SYNE1-related conditions. ClinVar contains an entry for this variant (Variation ID: 448594). Algorithms developed to predict the effect of missense changes on protein structure and function are either unavailable or do not agree on the potential impact of this missense change (SIFT: "Deleterious"; PolyPhen-2: "Probably Damaging"; Align-GVGD: "Class C0"). In summary, the available evidence is currently insufficient to determine the role of this variant in disease. Therefore, it has been classified as a Variant of Uncertain Significance.

Athena Diagnostics
Classification: Uncertain significance. Last evaluated: 2021-05-13. Review status: criteria provided, single submitter. Criteria: Athena Diagnostics criteria. Collection method: clinical testing. Allele origin: unknown.

Eurofins Ntd Llc (ga)
Classification: Uncertain significance. Last evaluated: 2018-08-10. Review status: criteria provided, single submitter. Criteria: EGL ClinVar v180209 classification definitions. Collection method: clinical testing. Allele origin: germline. Observed: 1 variant allele, 1 heterozygote.

Breakthrough Genomics
Classification: Uncertain significance. Review status: criteria provided, single submitter. Criteria: ACMG Guidelines, 2015. Collection method: not provided. Allele origin: germline. Inheritance: Autosomal recessive inheritance. Affected: yes.

NM_182961.4(SYNE1):c.26044G>C (p.Gly8682Arg)

Gene: SYNE1 (spectrin repeat containing nuclear envelope protein 1; minus strand). Cytogenetic location: 6q25.2.
Variant type: single nucleotide variant.
Coding change: c.26044G>C on transcript NM_182961.4 (MANE Select); coding-DNA position 26044, G replaced by C.
Protein change: p.Gly8682Arg; replaces glycine 8682 with arginine.
Molecular consequence: missense variant.
Genome position (GRCh38, 1-based): chr6:152,132,172, C>G on the plus strand (G>C on the coding strand, the complement: SYNE1 is on the minus strand). VCF-style: chr6-152132172-C-G. GRCh37 (hg19) VCF-style: chr6-152453307-C-G.
Other names: c.2650G>C, p.Gly884Arg (NM_001347701.2); c.2578G>C, p.Gly860Arg (NM_001347702.2); c.25900G>C, p.Gly8634Arg (NM_033071.5); short protein forms G8634R, G8682R, G860R, G884R.
Identifiers: ClinVar variation 448594 (VCV000448594.45), dbSNP rs201664645, ClinGen allele CA4052683.